The following is an entry in ClinVar:

NM_018489.3(ASH1L):c.4728G>C (p.Gln1576His)

Gene: ASH1L (ASH1 like histone lysine methyltransferase; minus strand). Cytogenetic location: 1q22.
Variant type: single nucleotide variant.
Coding change: c.4728G>C on transcript NM_018489.3 (MANE Select); coding-DNA position 4728, G replaced by C.
Protein change: p.Gln1576His; replaces glutamine 1576 with histidine.
Molecular consequence: missense variant.
Genome position (GRCh38, 1-based): chr1:155,478,142, C>G on the plus strand (G>C on the coding strand, the complement: ASH1L is on the minus strand). VCF-style: chr1-155478142-C-G. GRCh37 (hg19) VCF-style: chr1-155447933-C-G.
Other names: c.4728G>C, p.Gln1576His (NM_001366177.2); short protein forms Q1576H.
Identifiers: ClinVar variation 3366006 (VCV003366006.2).

ClinVar aggregate classification (germline): Uncertain significance (1 of 4 stars; one submission).

Submission:

GeneDx
Classification: Uncertain significance. Last evaluated: 2025-07-18. Review status: criteria provided, single submitter. Criteria: GeneDx Variant Classification Process June 2021. Collection method: clinical testing. Allele origin: germline.
Comment: Not observed at significant frequency in large population cohorts (gnomAD); In silico analysis suggests that this missense variant does not alter protein structure/function; Has not been previously published as pathogenic or benign to our knowledge